The following is an entry in ClinVar:

NM_003073.5(SMARCB1):c.485G>A (p.Arg162Lys)

Gene: SMARCB1 (SWI/SNF related BAF chromatin remodeling complex subunit B1; plus strand). Cytogenetic location: 22q11.23.
Variant type: single nucleotide variant.
Coding change: c.485G>A on transcript NM_003073.5 (MANE Select); coding-DNA position 485, G replaced by A.
Protein change: p.Arg162Lys; replaces arginine 162 with lysine.
Molecular consequence: missense variant.
Genome position (GRCh38, 1-based): chr22:23,801,066, G>A. VCF-style: chr22-23801066-G-A. GRCh37 (hg19) VCF-style: chr22-24143253-G-A.
Other names: c.458G>A, p.Arg153Lys (NM_001007468.3, NM_001317946.2); c.485G>A, p.Arg162Lys (NM_001362877.2); short protein forms R153K, R162K.
Identifiers: ClinVar variation 4827215 (VCV004827215.1).

ClinVar aggregate classification (germline): Uncertain significance (1 of 4 stars; one submission).

Conditions:
Hereditary cancer-predisposing syndrome. Also called: Neoplastic Syndromes, Hereditary; Tumor predisposition; Hereditary Cancer Syndrome; Hereditary neoplastic syndrome. Identifiers: Orphanet 140162, MedGen C0027672, MeSH D009386, MONDO:0015356.

gnomAD v4.1: 1 of 1,614,192 alleles (0.000062%); highest among the groups gnomAD compares: Non-Finnish European, 0.000085%; no homozygotes.

Submission:

Ambry Genetics
Classification: Uncertain significance for Hereditary cancer-predisposing syndrome. Last evaluated: 2026-03-02. Review status: criteria provided, single submitter. Criteria: Ambry Variant Classification Scheme 2023. Collection method: clinical testing. Allele origin: germline.
Comment: The p.R162K variant (also known as c.485G>A), located in coding exon 4 of the SMARCB1 gene, results from a G to A substitution at nucleotide position 485. The arginine at codon 162 is replaced by lysine, an amino acid with highly similar properties. This amino acid position is conserved. In addition, the in silico prediction for this alteration is inconclusive. Based on the available evidence, the clinical significance of this variant remains unclear.